The following is an entry in ClinVar:

NM_001875.5(CPS1):c.2993C>T (p.Ser998Phe)

Gene: CPS1 (carbamoyl-phosphate synthase 1; plus strand). Cytogenetic location: 2q34.
Variant type: single nucleotide variant.
Coding change: c.2993C>T on transcript NM_001875.5 (MANE Select); coding-DNA position 2993, C replaced by T.
Protein change: p.Ser998Phe; replaces serine 998 with phenylalanine.
Molecular consequence: missense variant. On other transcripts: non-coding transcript variant (2).
Genome position (GRCh38, 1-based): chr2:210,642,517, C>T. VCF-style: chr2-210642517-C-T. GRCh37 (hg19) VCF-style: chr2-211507241-C-T.
Other names: c.2993C>T (LRG_336t1); c.2993C>T, p.Ser998Phe (NM_001122633.3, NM_001369257.1); c.3026C>T, p.Ser1009Phe (NM_001369256.1); short protein forms S998F, S1009F.
Identifiers: ClinVar variation 552577 (VCV000552577.7), dbSNP rs1404696893, ClinGen allele CA350433819.

ClinVar aggregate classification (germline): Uncertain significance. Review status: criteria provided, single submitter (1 of 4 stars). 3 submissions from 3 submitters: Uncertain significance (1). 2 of the submissions do not count toward it. Last evaluated 2021-08-31.

Conditions:
Congenital hyperammonemia, type I. Also called: Carbamoyl-phosphate synthase I deficiency; Carbamoyl phosphate synthetase I deficiency disease; CPS I DEFICIENCY; Carbamoyl phosphate synthetase 1 deficiency; Hyperammonemia due to carbamoyl phosphate synthetase 1 deficiency; CPS 1 deficiency. Identifiers: Orphanet 147, MedGen C4082171, MONDO:0009376, OMIM 237300.

Allele frequency attached by ClinVar (database versions not stated): gnomAD exomes below 0.00001 and 0.00001.
gnomAD v4.1: 7 of 1,613,962 alleles (0.00043%); highest among the groups gnomAD compares: Non-Finnish European, 0.00059%; no homozygotes.

Submissions (3):

Labcorp Genetics (formerly Invitae), Labcorp
Classification: Uncertain significance for Congenital hyperammonemia, type I. Last evaluated: 2021-08-31. Review status: criteria provided, single submitter. Criteria: Invitae Variant Classification Sherloc (09022015). Collection method: clinical testing. Allele origin: germline.
Comment: This sequence change replaces serine with phenylalanine at codon 998 of the CPS1 protein (p.Ser998Phe). The serine residue is moderately conserved and there is a large physicochemical difference between serine and phenylalanine. This variant is not present in population databases (ExAC no frequency). This missense change has been observed in individual(s) with CPS1 deficiency (PMID: 16737834, 20800523). Algorithms developed to predict the effect of missense changes on protein structure and function are either unavailable or do not agree on the potential impact of this missense change (SIFT: "Deleterious"; PolyPhen-2: "Probably Damaging"; Align-GVGD: "Class C0"). In summary, the available evidence is currently insufficient to determine the role of this variant in disease. Therefore, it has been classified as a Variant of Uncertain Significance.

Natera, Inc.
Classification: Uncertain significance for Carbamoyl-phosphate synthase I deficiency. Last evaluated: 2020-09-16. Review status: no assertion criteria provided. Collection method: clinical testing. Allele origin: germline. Not counted in ClinVar's aggregate classification.

Counsyl
Classification: Uncertain significance for Congenital hyperammonemia, type I. Last evaluated: 2017-06-21. Review status: no assertion criteria provided. Collection method: clinical testing. Allele origin: unknown. Not counted in ClinVar's aggregate classification.

Literature cited by the submitters: PubMed 16737834 (cited by Labcorp Genetics (formerly Invitae), Labcorp and Counsyl); PubMed 20800523 (cited by Labcorp Genetics (formerly Invitae), Labcorp); PubMed 21120950 (cited by Counsyl).